The following is an entry in ClinVar:

ClinVar aggregate classification (germline): Likely benign. Review status: criteria provided, multiple submitters, no conflicts (2 of 4 stars). 3 submissions from 3 submitters: Likely benign (3). Last evaluated 2025-01-01.

Allele frequency attached by ClinVar (database versions not stated): gnomAD exomes 0.00003; ExAC 0.00004; gnomAD 0.00005; TOPMed 0.00012.
gnomAD v4.1: 48 of 1,611,368 alleles (0.003%); highest among the groups gnomAD compares: Middle Eastern, 0.034%; no homozygotes.

Submissions (3):

CeGaT Center for Human Genetics Tuebingen
Classification: Likely benign. Last evaluated: 2025-01-01. Review status: criteria provided, single submitter. Criteria: CeGaT Center For Human Genetics Tuebingen Variant Classification Criteria Version 2. Collection method: clinical testing. Allele origin: germline. Affected: yes. Observed: 1 variant allele.
Comment: SPTB: BP4, BP7

Blueprint Genetics
Classification: Likely benign. Last evaluated: 2024-11-18. Review status: criteria provided, single submitter. Criteria: ACMG Guidelines, 2015. Collection method: clinical testing. Allele origin: germline.

Labcorp Genetics (formerly Invitae), Labcorp
Classification: Likely benign. Last evaluated: 2023-09-11. Review status: criteria provided, single submitter. Criteria: Invitae Variant Classification Sherloc (09022015). Collection method: clinical testing. Allele origin: germline.

NM_001355436.2(SPTB):c.1623C>T (p.Ile541=)

Gene: SPTB (spectrin beta, erythrocytic; minus strand). Cytogenetic location: 14q23.3.
Variant type: single nucleotide variant.
Coding change: c.1623C>T on transcript NM_001355436.2 (MANE Select); coding-DNA position 1623, C replaced by T.
Protein change: p.Ile541=; no amino-acid change (isoleucine 541 retained).
Molecular consequence: synonymous variant.
Genome position (GRCh38, 1-based): chr14:64,795,358, G>A on the plus strand (C>T on the coding strand, the complement: SPTB is on the minus strand). VCF-style: chr14-64795358-G-A. GRCh37 (hg19) VCF-style: chr14-65262076-G-A.
Other names: c.1623C>T, p.Ile541= (NM_001024858.4, NM_001355437.2).
Identifiers: ClinVar variation 2084661 (VCV002084661.18), dbSNP rs778772287, ClinGen allele CA7231071.